The following is an entry in ClinVar:

ClinVar aggregate classification (germline): Uncertain significance. Review status: criteria provided, multiple submitters, no conflicts (2 of 4 stars). 2 submissions from 2 submitters: Uncertain significance (2). Last evaluated 2022-06-03.

Allele frequency attached by ClinVar (database versions not stated): TOPMed 0.00001.
gnomAD v4.1: 32 of 1,613,756 alleles (0.002%); highest among the groups gnomAD compares: Middle Eastern, 0.016%; no homozygotes.

Submissions (2):

Blueprint Genetics
Classification: Uncertain significance. Last evaluated: 2022-06-03. Review status: criteria provided, single submitter. Criteria: ACMG Guidelines, 2015. Collection method: clinical testing. Allele origin: germline.

Labcorp Genetics (formerly Invitae), Labcorp
Classification: Uncertain significance. Last evaluated: 2022-02-24. Review status: criteria provided, single submitter. Criteria: Invitae Variant Classification Sherloc (09022015). Collection method: clinical testing. Allele origin: germline.
Comment: This sequence change replaces arginine, which is basic and polar, with histidine, which is basic and polar, at codon 111 of the TTLL5 protein (p.Arg111His). This variant is present in population databases (rs151197710, gnomAD 0.006%). This variant has not been reported in the literature in individuals affected with TTLL5-related conditions. ClinVar contains an entry for this variant (Variation ID: 960528). Algorithms developed to predict the effect of missense changes on protein structure and function (SIFT, PolyPhen-2, Align-GVGD) all suggest that this variant is likely to be disruptive. In summary, the available evidence is currently insufficient to determine the role of this variant in disease. Therefore, it has been classified as a Variant of Uncertain Significance.

NM_015072.5(TTLL5):c.332G>A (p.Arg111His)

Gene: TTLL5 (tubulin tyrosine ligase like 5; plus strand). Cytogenetic location: 14q24.3.
Variant type: single nucleotide variant.
Coding change: c.332G>A on transcript NM_015072.5 (MANE Select); coding-DNA position 332, G replaced by A.
Protein change: p.Arg111His; replaces arginine 111 with histidine.
Molecular consequence: missense variant.
Genome position (GRCh38, 1-based): chr14:75,683,617, G>A. VCF-style: chr14-75683617-G-A. GRCh37 (hg19) VCF-style: chr14-76149960-G-A.
Other names: short protein forms R111H.
Identifiers: ClinVar variation 960528 (VCV000960528.8), dbSNP rs151197710, ClinGen allele CA7278887.